The following is an entry in ClinVar:

ClinVar aggregate classification (germline): Conflicting classifications of pathogenicity. Review status: criteria provided, conflicting classifications (1 of 4 stars). 2 submissions from 2 submitters: Uncertain significance (1); Likely benign (1). Last evaluated 2025-01-16.

gnomAD v4.1: 267 of 1,613,966 alleles (0.017%); highest among the groups gnomAD compares: Middle Eastern, 0.082%; no homozygotes.

Submissions (2):

Labcorp Genetics (formerly Invitae), Labcorp
Classification: Uncertain significance. Last evaluated: 2025-01-16. Review status: criteria provided, single submitter. Criteria: Invitae Variant Classification Sherloc (09022015). Collection method: clinical testing. Allele origin: germline.
Comment: This sequence change replaces isoleucine, which is neutral and non-polar, with threonine, which is neutral and polar, at codon 509 of the CASZ1 protein (p.Ile509Thr). This variant is present in population databases (rs199542043, gnomAD 0.02%). This variant has not been reported in the literature in individuals affected with CASZ1-related conditions. An algorithm developed to predict the effect of missense changes on protein structure and function (PolyPhen-2) suggests that this variant is likely to be disruptive. In summary, the available evidence is currently insufficient to determine the role of this variant in disease. Therefore, it has been classified as a Variant of Uncertain Significance.

Blueprint Genetics
Classification: Likely benign. Last evaluated: 2024-03-01. Review status: criteria provided, single submitter. Criteria: ACMG Guidelines, 2015. Collection method: clinical testing. Allele origin: germline.

NM_001079843.3(CASZ1):c.1526T>C (p.Ile509Thr)

Gene: CASZ1 (castor zinc finger 1; minus strand). Cytogenetic location: 1p36.22.
Variant type: single nucleotide variant.
Coding change: c.1526T>C on transcript NM_001079843.3 (MANE Select); coding-DNA position 1526, T replaced by C.
Protein change: p.Ile509Thr; replaces isoleucine 509 with threonine.
Molecular consequence: missense variant.
Genome position (GRCh38, 1-based): chr1:10,655,788, A>G on the plus strand (T>C on the coding strand, the complement: CASZ1 is on the minus strand). VCF-style: chr1-10655788-A-G. GRCh37 (hg19) VCF-style: chr1-10715845-A-G.
Other names: c.1526T>C, p.Ile509Thr (NM_017766.5); short protein forms I509T.
Identifiers: ClinVar variation 3709943 (VCV003709943.3).
Genomic context (GRCh38, chr1:10,655,788, plus strand): 5'-AAACGCATGAAGCCGTGCTGCAGGGAGTTGTCGCGCTTCTTGTGCATGTTGTAGTGGCGG[A>G]TCACGTCCTGCTTACTCGTGAACCTCTGCCAGGAGACAGCGCCACGTGGGCAGGAGCCTG-3'
Protein context (NP_001073312.1, residues 499-519): YQRFTSKQDV[Ile509Thr]RHYNMHKKRD